The following is an entry in ClinVar:

NM_001370259.2(MEN1):c.879del (p.Gly294fs)

Gene: MEN1 (menin 1; minus strand). Cytogenetic location: 11q13.1.
Variant type: Deletion.
Coding change: c.879del on transcript NM_001370259.2 (MANE Select); coding-DNA position 879, one base deleted (T; older notation c.879delT).
Protein change: p.Gly294fs; shifts the reading frame from glycine 294.
Molecular consequence: frameshift variant.
Genome position (GRCh38, 1-based): chr11:64,807,044, A deleted on the plus strand (T on the coding strand, the reverse complement: MEN1 is on the minus strand). VCF-style (leftmost placement, unchanged base first): chr11-64807043-CA-C. GRCh37 (hg19) VCF-style: chr11-64574515-CA-C.
Other names: c.894del, p.Gly299fs (NM_000244.4, NM_130800.3, NM_130801.3 and 3 more transcripts); c.879del, p.Gly294fs (NM_001370251.2, NM_001370260.2, NM_001370261.2 and 1 more transcripts); c.774del, p.Gly259fs (NM_001370262.2, NM_001370263.2); c.879delT, p.Gly294Alafs (NM_001407142.1, NM_001407143.1, NM_001407144.1 and 3 more transcripts); c.894delT, p.Gly299Alafs (NM_001407145.1, NM_001407150.1); c.774delT, p.Gly259Alafs (NM_001407148.1, NM_001407149.1, NM_001407151.1); short protein forms G259fs, G299fs, G294fs.
Identifiers: ClinVar variation 2137145 (VCV002137145.4), dbSNP rs2497187115, ClinGen allele CA2580084499.

ClinVar aggregate classification (germline): Pathogenic (1 of 4 stars; one submission).

Conditions:
Multiple endocrine neoplasia, type 1 (MEN1). Also called: WERMER SYNDROME; Endocrine adenomatosis multiple; MEN 1; MEA I; MEN I. Identifiers: Orphanet 652, MedGen C0025267, MeSH D018761, MONDO:0007540, OMIM 131100.

Submission:

Labcorp Genetics (formerly Invitae), Labcorp
Classification: Pathogenic for Multiple endocrine neoplasia, type 1. Last evaluated: 2022-07-19. Review status: criteria provided, single submitter. Criteria: Invitae Variant Classification Sherloc (09022015). Collection method: clinical testing. Allele origin: germline.
Comment: This sequence change creates a premature translational stop signal (p.Gly294Alafs*74) in the MEN1 gene. It is expected to result in an absent or disrupted protein product. Loss-of-function variants in MEN1 are known to be pathogenic (PMID: 12112656, 17853334). This variant is not present in population databases (gnomAD no frequency). For these reasons, this variant has been classified as Pathogenic. This variant has not been reported in the literature in individuals affected with MEN1-related conditions.

Literature cited by the submitters: PubMed 12112656; PubMed 17853334.